The following is an entry in ClinVar:

ClinVar aggregate classification (germline): Likely benign (1 of 4 stars; one submission).

Submission:

CeGaT Center for Human Genetics Tuebingen
Classification: Likely benign. Last evaluated: 2025-07-01. Review status: criteria provided, single submitter. Criteria: CeGaT Center For Human Genetics Tuebingen Variant Classification Criteria Version 2. Collection method: clinical testing. Allele origin: germline. Affected: yes. Observed: 1 variant allele.
Comment: SCN4A: PM2:Supporting, BP4, BP7

NM_000334.4(SCN4A):c.36G>A (p.Leu12=)

Gene: SCN4A (sodium voltage-gated channel alpha subunit 4; minus strand). Cytogenetic location: 17q23.3.
Variant type: single nucleotide variant.
Coding change: c.36G>A on transcript NM_000334.4 (MANE Select); coding-DNA position 36, G replaced by A.
Protein change: p.Leu12=; no amino-acid change (leucine 12 retained).
Molecular consequence: synonymous variant.
Genome position (GRCh38, 1-based): chr17:63,972,806, C>T on the plus strand (G>A on the coding strand, the complement: SCN4A is on the minus strand). VCF-style: chr17-63972806-C-T. GRCh37 (hg19) VCF-style: chr17-62050166-C-T.
Identifiers: ClinVar variation 4085407 (VCV004085407.8).